The following is an entry in ClinVar:

NC_000014.8:g.(?_58951496)_(58953792_?)del

Gene: KIAA0586 (KIAA0586; plus strand). Cytogenetic location: 14q23.1.
Variant type: Deletion.
Identifiers: ClinVar variation 2424019 (VCV002424019.4).

ClinVar aggregate classification (germline): Likely pathogenic (1 of 4 stars; one submission).

Conditions:
Joubert syndrome 23 (JBTS23). Identifiers: Orphanet 475, MedGen C4084822, MONDO:0014664, OMIM 616490.
Short-rib thoracic dysplasia 14 with polydactyly (SRTD14). Identifiers: Orphanet 397715, MedGen C4225286, MONDO:0014688, OMIM 616546.

Submission:

Labcorp Genetics (formerly Invitae), Labcorp
Classification: Likely pathogenic for Joubert syndrome 23; Short-rib thoracic dysplasia 14 with polydactyly. Last evaluated: 2021-12-13. Review status: criteria provided, single submitter. Criteria: Invitae Variant Classification Sherloc (09022015). Collection method: clinical testing. Allele origin: germline.
Comment: In summary, the currently available evidence indicates that the variant is pathogenic, but additional data are needed to prove that conclusively. Therefore, this variant has been classified as Likely Pathogenic. This variant has not been reported in the literature in individuals affected with KIAA0586-related conditions. This variant results in the deletion of part of exon 24 (c.3303+2066_3371del) of the KIAA0586 gene. It is expected to disrupt RNA splicing. Variants that disrupt the donor or acceptor splice site typically lead to a loss of protein function (PMID: 16199547), and loss-of-function variants in KIAA0586 are known to be pathogenic (PMID: 26096313, 26166481, 26386044).

Literature cited by the submitters: PubMed 16199547; PubMed 26096313; PubMed 26166481; PubMed 26386044.